The following is an entry in ClinVar:

ClinVar aggregate classification (germline): Uncertain significance (1 of 4 stars; one submission).

gnomAD v4.1: 10 of 1,613,908 alleles (0.00062%); highest among the groups gnomAD compares: East Asian, 0.02%; no homozygotes.

Submission:

GeneDx
Classification: Uncertain significance. Last evaluated: 2025-10-31. Review status: criteria provided, single submitter. Criteria: GeneDx Variant Classification Process June 2021. Collection method: clinical testing. Allele origin: germline.
Comment: In silico analysis supports that this missense variant has a deleterious effect on protein structure/function; Has not been previously published as pathogenic or benign to our knowledge

NM_001145809.2(MYH14):c.1043A>G (p.Gln348Arg)

Gene: MYH14 (myosin heavy chain 14; plus strand). Cytogenetic location: 19q13.33.
Variant type: single nucleotide variant.
Coding change: c.1043A>G on transcript NM_001145809.2 (MANE Select); coding-DNA position 1043, A replaced by G.
Protein change: p.Gln348Arg; replaces glutamine 348 with arginine.
Molecular consequence: missense variant.
Genome position (GRCh38, 1-based): chr19:50,231,999, A>G. VCF-style: chr19-50231999-A-G. GRCh37 (hg19) VCF-style: chr19-50735256-A-G.
Other names: c.1043A>G, p.Gln348Arg (NM_001077186.2); c.1019A>G, p.Gln340Arg (NM_024729.4); short protein forms Q340R, Q348R.
Identifiers: ClinVar variation 3392736 (VCV003392736.2).